The following is an entry in ClinVar:

NM_000070.3(CAPN3):c.847A>G (p.Met283Val)

Gene: CAPN3 (calpain 3; plus strand). Cytogenetic location: 15q15.1.
Variant type: single nucleotide variant.
Coding change: c.847A>G on transcript NM_000070.3 (MANE Select); coding-DNA position 847, A replaced by G.
Protein change: p.Met283Val; replaces methionine 283 with valine.
Molecular consequence: missense variant. On other transcripts: intron variant (1).
Genome position (GRCh38, 1-based): chr15:42,389,998, A>G. VCF-style: chr15-42389998-A-G. GRCh37 (hg19) VCF-style: chr15-42682196-A-G.
Other names: c.847A>G, p.Met283Val (NM_024344.2); c.801+902A>G (NM_173087.2); short protein forms M283V.
Identifiers: ClinVar variation 1001331 (VCV001001331.8), dbSNP rs756786521, ClinGen allele CA7511147.

ClinVar aggregate classification (germline): Uncertain significance. Review status: criteria provided, multiple submitters, no conflicts (2 of 4 stars). 2 submissions from 2 submitters: Uncertain significance (2). Last evaluated 2022-07-19.

Conditions:
Autosomal recessive limb-girdle muscular dystrophy type 2A (LGMDR1). Also called: Limb-girdle muscular dystrophy, type 2A; Calpainopathy; Muscular dystrophy, limb-girdle, type 2A, Amish; LEYDEN-MOEBIUS MUSCULAR DYSTROPHY; MUSCULAR DYSTROPHY, PELVOFEMORAL. Identifiers: Orphanet 267, MedGen C1869123, MONDO:0009675, OMIM 253600. Disease mechanism: loss of function.
Limb-girdle muscular dystrophy (LGMD). Also called: Muscular Dystrophies, Limb-Girdle. Identifiers: Orphanet 263, MedGen C0686353, MeSH D049288, MONDO:0016971, HP:0006785.

Allele frequency attached by ClinVar (database versions not stated): ExAC 0.00001; gnomAD exomes 0.00001.
gnomAD v4.1: 22 of 1,614,028 alleles (0.0014%); highest among the groups gnomAD compares: Non-Finnish European, 0.0018%; no homozygotes.

Submissions (2):

Labcorp Genetics (formerly Invitae), Labcorp
Classification: Uncertain significance for Autosomal recessive limb-girdle muscular dystrophy type 2A. Last evaluated: 2022-07-19. Review status: criteria provided, single submitter. Criteria: Invitae Variant Classification Sherloc (09022015). Collection method: clinical testing. Allele origin: germline.
Comment: This sequence change replaces methionine, which is neutral and non-polar, with valine, which is neutral and non-polar, at codon 283 of the CAPN3 protein (p.Met283Val). This variant is present in population databases (rs756786521, gnomAD 0.002%). This variant has not been reported in the literature in individuals affected with CAPN3-related conditions. ClinVar contains an entry for this variant (Variation ID: 1001331). Algorithms developed to predict the effect of missense changes on protein structure and function (SIFT, PolyPhen-2, Align-GVGD) all suggest that this variant is likely to be tolerated. This variant disrupts the p.Met283 amino acid residue in CAPN3. Other variant(s) that disrupt this residue have been determined to be pathogenic (PMID: 15221789, 25046369, 26404900). This suggests that this residue is clinically significant, and that variants that disrupt this residue are likely to be disease-causing. In summary, the available evidence is currently insufficient to determine the role of this variant in disease. Therefore, it has been classified as a Variant of Uncertain Significance.

Molecular Genetics, Royal Melbourne Hospital
Classification: Uncertain significance for Limb-girdle muscular dystrophy. Last evaluated: 2022-04-05. Review status: criteria provided, single submitter. Criteria: ACMG Guidelines, 2015. Collection method: clinical testing. Allele origin: germline. Affected: yes.
Comment: This sequence change in CAPN3 is predicted to replace methionine with valine at codon 283, p.(Met283Val). The methionine residue is moderately conserved (100 vertebrates, UCSC), and is located in the calpain catalytic domain. There is a small physicochemical difference between methionine and valine. The highest population minor allele frequency in gnomAD v2.1 is 0.002% (2/113,766 alleles) in European (non-Finnish) population, which is consistent with a recessive condition. To our knowledge, this variant has not been reported in the literature in any individuals with CAPN3-related disorders. It has been reported as a variant of uncertain significance (ClinVar ID: 1001331). Multiple lines of computational evidence have conflicting predictions for the missense substitution (4/5 algorithms predict benign). Another missense variant c.848T>C, p.Met283Thr in the same codon with a larger physicochemical difference has been reported in at least one patient with limb-girdle muscular dystrophy (PMID: 18854869). Based on the classification scheme RMH Modified ACMG Guidelines v1.4.0, this variant is classified as a VARIANT OF UNCERTAIN SIGNIFICANCE. Following criteria are met: PM2_Supporting.

Literature cited by the submitters: PubMed 15221789 (cited by Labcorp Genetics (formerly Invitae), Labcorp); PubMed 25046369 (cited by Labcorp Genetics (formerly Invitae), Labcorp); PubMed 26404900 (cited by Labcorp Genetics (formerly Invitae), Labcorp); PubMed 18854869 (cited by Molecular Genetics, Royal Melbourne Hospital).